The following is an entry in ClinVar:

NM_006206.6(PDGFRA):c.932A>T (p.Glu311Val)

Gene: PDGFRA (platelet derived growth factor receptor alpha; plus strand). Cytogenetic location: 4q12.
Variant type: single nucleotide variant.
Coding change: c.932A>T on transcript NM_006206.6 (MANE Select); coding-DNA position 932, A replaced by T.
Protein change: p.Glu311Val; replaces glutamic acid 311 with valine.
Molecular consequence: missense variant.
Genome position (GRCh38, 1-based): chr4:54,267,552, A>T. VCF-style: chr4-54267552-A-T. GRCh37 (hg19) VCF-style: chr4-55133719-A-T.
Other names: c.932A>T, p.Glu311Val (NM_001347827.2, NM_001347829.2); c.1007A>T, p.Glu336Val (NM_001347828.2); c.971A>T, p.Glu324Val (NM_001347830.2); short protein forms E311V, E324V, E336V.
Identifiers: ClinVar variation 952749 (VCV000952749.10), dbSNP rs1723106857, ClinGen allele CA356891431.
Genomic context (GRCh38, chr4:54,267,552, plus strand): 5'-CATGCTGCTCGGGATCCATATGTGGTAATCATTATTTAATGGAAACTCTTCCCTGTACAG[A>T]GAAAGGTTTCATTGAAATCAAACCCACCTTCAGCCAGTTGGAAGCTGTCAACCTGCATGA-3'
Protein context (NP_006197.1, residues 301-321): EMKKVTISVH[Glu311Val]KGFIEIKPTF

ClinVar aggregate classification (germline): Uncertain significance (1 of 4 stars; one submission).

Conditions:
Gastrointestinal stromal tumor. Also called: Gastrointestinal stromal tumor, somatic; Gastrointestinal stroma tumor. Identifiers: Orphanet 44890, MedGen C0238198, MeSH D046152, MONDO:0011719, OMIM 606764, HP:0100723.

Submission:

Labcorp Genetics (formerly Invitae), Labcorp
Classification: Uncertain significance for Gastrointestinal stromal tumor. Last evaluated: 2022-09-30. Review status: criteria provided, single submitter. Criteria: Invitae Variant Classification Sherloc (09022015). Collection method: clinical testing. Allele origin: germline.
Comment: This variant is not present in population databases (gnomAD no frequency). This sequence change replaces glutamic acid, which is acidic and polar, with valine, which is neutral and non-polar, at codon 311 of the PDGFRA protein (p.Glu311Val). In summary, the available evidence is currently insufficient to determine the role of this variant in disease. Therefore, it has been classified as a Variant of Uncertain Significance. Algorithms developed to predict the effect of missense changes on protein structure and function (SIFT, PolyPhen-2, Align-GVGD) all suggest that this variant is likely to be tolerated. ClinVar contains an entry for this variant (Variation ID: 952749). This variant has not been reported in the literature in individuals affected with PDGFRA-related conditions.